The following is an entry in ClinVar:

NM_000388.4(CASR):c.1658G>A (p.Gly553Glu)

Gene: CASR (calcium sensing receptor; plus strand). Cytogenetic location: 3q21.1.
Variant type: single nucleotide variant.
Coding change: c.1658G>A on transcript NM_000388.4 (MANE Select); coding-DNA position 1658, G replaced by A.
Protein change: p.Gly553Glu; replaces glycine 553 with glutamic acid.
Molecular consequence: missense variant.
Genome position (GRCh38, 1-based): chr3:122,282,162, G>A. VCF-style: chr3-122282162-G-A. GRCh37 (hg19) VCF-style: chr3-122001009-G-A.
Other names: c.1688G>A, p.Gly563Glu (NM_001178065.2); short protein forms G553E, G563E.
Identifiers: ClinVar variation 3755856 (VCV003755856.3).

ClinVar aggregate classification (germline): Conflicting classifications of pathogenicity. Review status: criteria provided, conflicting classifications (1 of 4 stars). 2 submissions from 2 submitters: Likely pathogenic (1); Uncertain significance (1). Last evaluated 2024-04-15.

Conditions:
CASR-related disorder. Also called: CASR-related condition.
Familial hypocalciuric hypercalcemia (FHH). Also called: Familial benign hypercalcemia. Identifiers: Orphanet 405, MedGen C1809471, MONDO:0018458.
Autosomal dominant hypocalcemia 1 (HYPOC1). Also called: HYPOCALCEMIA, FAMILIAL. Identifiers: MedGen C3715128, MONDO:0011013, OMIM 601198.

Submissions (2):

Labcorp Genetics (formerly Invitae), Labcorp
Classification: Uncertain significance for Familial hypocalciuric hypercalcemia; Autosomal dominant hypocalcemia 1. Last evaluated: 2024-04-15. Review status: criteria provided, single submitter. Criteria: Invitae Variant Classification Sherloc (09022015). Collection method: clinical testing. Allele origin: germline.
Comment: This sequence change replaces glycine, which is neutral and non-polar, with glutamic acid, which is acidic and polar, at codon 553 of the CASR protein (p.Gly553Glu). This variant is not present in population databases (gnomAD no frequency). This variant has not been reported in the literature in individuals affected with CASR-related conditions. An algorithm developed to predict the effect of missense changes on protein structure and function (PolyPhen-2) suggests that this variant is likely to be disruptive. This variant disrupts the p.Gly553 amino acid residue in CASR. Other variant(s) that disrupt this residue have been determined to be pathogenic (PMID: 10885494, 19389809). This suggests that this residue is clinically significant, and that variants that disrupt this residue are likely to be disease-causing. In summary, the available evidence is currently insufficient to determine the role of this variant in disease. Therefore, it has been classified as a Variant of Uncertain Significance.

Blueprint Genetics
Classification: Likely pathogenic for CASR-related disorders. Last evaluated: 2023-09-20. Review status: criteria provided, single submitter. Criteria: ACMG Guidelines, 2015. Collection method: clinical testing. Allele origin: germline. Affected: yes. Observed: 3 variant alleles.

Literature cited by the submitters: PubMed 10885494 (cited by Labcorp Genetics (formerly Invitae), Labcorp); PubMed 19389809 (cited by Labcorp Genetics (formerly Invitae), Labcorp).